The following is an entry in ClinVar:

ClinVar aggregate classification (germline): Uncertain significance (1 of 4 stars; one submission).

Conditions:
Hereditary nonpolyposis colorectal neoplasms. Identifiers: MedGen C0009405, MeSH D003123.

Submission:

Labcorp Genetics (formerly Invitae), Labcorp
Classification: Uncertain significance for Hereditary nonpolyposis colorectal neoplasms. Last evaluated: 2025-09-28. Review status: criteria provided, single submitter. Criteria: Invitae Variant Classification Sherloc (09022015). Collection method: clinical testing. Allele origin: germline.
Comment: This sequence change replaces histidine, which is basic and polar, with glutamine, which is neutral and polar, at codon 126 of the PMS2 protein (p.His126Gln). This variant is not present in population databases (gnomAD no frequency). This variant has not been reported in the literature in individuals affected with PMS2-related conditions. Invitae Evidence Modeling of protein sequence and biophysical properties (such as structural, functional, and spatial information, amino acid conservation, physicochemical variation, residue mobility, and thermodynamic stability) indicates that this missense variant is expected to disrupt PMS2 protein function with a positive predictive value of 80%. In summary, the available evidence is currently insufficient to determine the role of this variant in disease. Therefore, it has been classified as a Variant of Uncertain Significance.

NM_000535.7(PMS2):c.378C>A (p.His126Gln)

Gene: PMS2 (PMS1 homolog 2, mismatch repair system component; minus strand). Cytogenetic location: 7p22.1.
Variant type: single nucleotide variant.
Coding change: c.378C>A on transcript NM_000535.7 (MANE Select); coding-DNA position 378, C replaced by A.
Protein change: p.His126Gln; replaces histidine 126 with glutamine.
Molecular consequence: missense variant. On other transcripts: 5 prime UTR variant (29), non-coding transcript variant (1), intron variant (1).
Genome position (GRCh38, 1-based): chr7:6,002,612, G>T on the plus strand (C>A on the coding strand, the complement: PMS2 is on the minus strand). VCF-style: chr7-6002612-G-T. GRCh37 (hg19) VCF-style: chr7-6042243-G-T.
Other names: c.-28C>A (NM_001322003.2, NM_001322004.2, NM_001322005.2 and 24 more transcripts); c.378C>A, p.His126Gln (NM_001322006.2, NM_001322014.2, NM_001406869.1 and 8 more transcripts); c.60C>A, p.His20Gln (NM_001322007.2, NM_001322008.2, NM_001406876.1 and 4 more transcripts); c.-507C>A (NM_001322011.2, NM_001322012.2); c.69C>A, p.His23Gln (NM_001322015.2, NM_001406875.1, NM_001406877.1 and 6 more transcripts); c.564C>A, p.His188Gln (NM_001406866.1); c.402C>A, p.His134Gln (NM_001406868.1); c.250+1360C>A (NM_001406885.1); short protein forms H134Q, H126Q, H188Q, H20Q, H23Q.
Identifiers: ClinVar variation 4741940 (VCV004741940.1).